The following is an entry in ClinVar:

NM_020937.4(FANCM):c.2758C>T (p.Pro920Ser)

Gene: FANCM (FA complementation group M; plus strand). Cytogenetic location: 14q21.2.
Variant type: single nucleotide variant.
Coding change: c.2758C>T on transcript NM_020937.4 (MANE Select); coding-DNA position 2758, C replaced by T.
Protein change: p.Pro920Ser; replaces proline 920 with serine.
Molecular consequence: missense variant.
Genome position (GRCh38, 1-based): chr14:45,175,512, C>T. VCF-style: chr14-45175512-C-T. GRCh37 (hg19) VCF-style: chr14-45644715-C-T.
Other names: c.2680C>T, p.Pro894Ser (NM_001308133.2); c.2758C>T (LRG_502t1); short protein forms P920S, P894S.
Identifiers: ClinVar variation 456262 (VCV000456262.15), dbSNP rs750238406, ClinGen allele CA7169407.

ClinVar aggregate classification (germline): Uncertain significance. Review status: criteria provided, multiple submitters, no conflicts (2 of 4 stars). 3 submissions from 3 submitters: Uncertain significance (3). Last evaluated 2025-09-10.

Conditions:
Inborn genetic diseases. Identifiers: MedGen C0950123, MeSH D030342.
Fanconi anemia (FA). Also called: Fanconi's anemia. Identifiers: Orphanet 84, MedGen C0015625, MeSH D005199, MONDO:0019391.

Allele frequency attached by ClinVar (database versions not stated): gnomAD exomes 0.00001 and 0.00002; TOPMed 0.00003; ExAC 0.00001.
gnomAD v4.1: 23 of 1,612,562 alleles (0.0014%); highest among the groups gnomAD compares: Admixed American, 0.012%; no homozygotes.

Submissions (3):

Labcorp Genetics (formerly Invitae), Labcorp
Classification: Uncertain significance for Fanconi anemia. Last evaluated: 2025-09-10. Review status: criteria provided, single submitter. Criteria: Invitae Variant Classification Sherloc (09022015). Collection method: clinical testing. Allele origin: germline.
Comment: This sequence change replaces proline, which is neutral and non-polar, with serine, which is neutral and polar, at codon 920 of the FANCM protein (p.Pro920Ser). This variant is present in population databases (rs750238406, gnomAD 0.005%). This variant has not been reported in the literature in individuals affected with FANCM-related conditions. ClinVar contains an entry for this variant (Variation ID: 456262). An algorithm developed to predict the effect of missense changes on protein structure and function outputs the following: PolyPhen-2: "Benign". The serine amino acid residue is found in multiple mammalian species, which suggests that this missense change does not adversely affect protein function. In summary, the available evidence is currently insufficient to determine the role of this variant in disease. Therefore, it has been classified as a Variant of Uncertain Significance.

GeneDx
Classification: Uncertain significance. Last evaluated: 2025-07-24. Review status: criteria provided, single submitter. Criteria: GeneDx Variant Classification Process June 2021. Collection method: clinical testing. Allele origin: germline.
Comment: Not observed at significant frequency in large population cohorts (gnomAD); In silico analysis supports that this missense variant has a deleterious effect on protein structure/function; Has not been previously published as pathogenic or benign to our knowledge

Ambry Genetics
Classification: Uncertain significance for Inborn genetic diseases. Last evaluated: 2024-12-19. Review status: criteria provided, single submitter. Criteria: Ambry Variant Classification Scheme 2023. Collection method: clinical testing. Allele origin: germline.
Comment: The p.P920S variant (also known as c.2758C>T), located in coding exon 14 of the FANCM gene, results from a C to T substitution at nucleotide position 2758. The proline at codon 920 is replaced by serine, an amino acid with similar properties. This amino acid position is conserved. In addition, this alteration is predicted to be tolerated by in silico analysis. Based on the available evidence, the clinical significance of this variant remains unclear.